The following is an entry in ClinVar:

NM_032638.5(GATA2):c.802G>C (p.Gly268Arg)

Gene: GATA2 (GATA binding protein 2; minus strand). Cytogenetic location: 3q21.3.
Variant type: single nucleotide variant.
Coding change: c.802G>C on transcript NM_032638.5 (MANE Select); coding-DNA position 802, G replaced by C.
Protein change: p.Gly268Arg; replaces glycine 268 with arginine.
Molecular consequence: missense variant.
Genome position (GRCh38, 1-based): chr3:128,485,796, C>G on the plus strand (G>C on the coding strand, the complement: GATA2 is on the minus strand). VCF-style: chr3-128485796-C-G. GRCh37 (hg19) VCF-style: chr3-128204639-C-G.
Other names: c.802G>C, p.Gly268Arg (NM_001145661.2, NM_001145662.1); short protein forms G268R.
Identifiers: ClinVar variation 1424986 (VCV001424986.6), dbSNP rs764747992, ClinGen allele CA354405867.
Genomic context (GRCh38, chr3:128,485,796, plus strand): 5'-AACGAGCCTTGCTGCGCTGCTTAGGGGTGAAGCTGGAGGCCGGTCCCCCCAGGAAGCCTC[C>G]GGGGTGGAAGAGTCCGCTGCTGTAGTCGTGGGCAGCCGCCGGCACATAGGAGGGGTAGGT-3'
Protein context (NP_116027.2, residues 258-278): HDYSSGLFHP[Gly268Arg]GFLGGPASSF

ClinVar aggregate classification (germline): Uncertain significance (1 of 4 stars; one submission).

Conditions:
Monocytopenia with susceptibility to infections. Also called: MONOCYTOPENIA AND MYCOBACTERIAL INFECTION SYNDROME; Dendritic cell, monocyte, B lymphocyte, and natural killer lymphocyte deficiency; MONOCYTOPENIA WITH SUSCEPTIBILITY TO MYCOBACTERIAL, FUNGAL, AND PAPILLOMAVIRUS INFECTIONS AND MYELODYSPLASIA; COMBINED IMMUNODEFICIENCY WITH SUSCEPTIBILITY TO MYCOBACTERIAL, VIRAL, AND FUNGAL INFECTIONS; IMMUNODEFICIENCY 21; GATA2 DEFICIENCY. Identifiers: Orphanet 228423, MedGen C3280030, MONDO:0013607, OMIM 614172.
Deafness-lymphedema-leukemia syndrome. Also called: Lymphedema, primary, with myelodysplasia; Emberger syndrome. Identifiers: Orphanet 3226, MedGen C3279664, MONDO:0013540, OMIM 614038.

Submission:

Labcorp Genetics (formerly Invitae), Labcorp
Classification: Uncertain significance for Monocytopenia with susceptibility to infections; Deafness-lymphedema-leukemia syndrome. Last evaluated: 2021-09-22. Review status: criteria provided, single submitter. Criteria: Invitae Variant Classification Sherloc (09022015). Collection method: clinical testing. Allele origin: germline.
Comment: Advanced modeling of protein sequence and biophysical properties (such as structural, functional, and spatial information, amino acid conservation, physicochemical variation, residue mobility, and thermodynamic stability) performed at Invitae indicates that this missense variant is not expected to disrupt GATA2 protein function. This variant has not been reported in the literature in individuals affected with GATA2-related conditions. This variant is not present in population databases (ExAC no frequency). This sequence change replaces glycine with arginine at codon 268 of the GATA2 protein (p.Gly268Arg). The glycine residue is moderately conserved and there is a moderate physicochemical difference between glycine and arginine. In summary, the available evidence is currently insufficient to determine the role of this variant in disease. Therefore, it has been classified as a Variant of Uncertain Significance.